The following is an entry in ClinVar:

ClinVar aggregate classification (germline): Uncertain significance (1 of 4 stars; one submission).

Conditions:
Baller-Gerold syndrome (BGS). Also called: CRANIOSYNOSTOSIS WITH RADIAL DEFECTS. Identifiers: Orphanet 1225, MedGen C0265308, MONDO:0009039, OMIM 218600.

gnomAD v4.1: 2 of 1,595,968 alleles (0.00013%); highest among the groups gnomAD compares: Non-Finnish European, 0.00017%; no homozygotes.

Submission:

Labcorp Genetics (formerly Invitae), Labcorp
Classification: Uncertain significance for Baller-Gerold syndrome. Last evaluated: 2023-07-31. Review status: criteria provided, single submitter. Criteria: Invitae Variant Classification Sherloc (09022015). Collection method: clinical testing. Allele origin: germline.
Comment: In summary, the available evidence is currently insufficient to determine the role of this variant in disease. Therefore, it has been classified as a Variant of Uncertain Significance. This sequence change replaces isoleucine, which is neutral and non-polar, with methionine, which is neutral and non-polar, at codon 906 of the RECQL4 protein (p.Ile906Met). This variant is not present in population databases (gnomAD no frequency). This variant has not been reported in the literature in individuals affected with RECQL4-related conditions. Advanced modeling of protein sequence and biophysical properties (such as structural, functional, and spatial information, amino acid conservation, physicochemical variation, residue mobility, and thermodynamic stability) performed at Invitae indicates that this missense variant is not expected to disrupt RECQL4 protein function.

NM_004260.4(RECQL4):c.2718A>G (p.Ile906Met)

Gene: RECQL4 (RecQ like helicase 4; minus strand). Cytogenetic location: 8q24.3.
Variant type: single nucleotide variant.
Coding change: c.2718A>G on transcript NM_004260.4 (MANE Select); coding-DNA position 2718, A replaced by G.
Protein change: p.Ile906Met; replaces isoleucine 906 with methionine.
Molecular consequence: missense variant. On other transcripts: non-coding transcript variant (3).
Genome position (GRCh38, 1-based): chr8:144,512,884, T>C on the plus strand (A>G on the coding strand, the complement: RECQL4 is on the minus strand). VCF-style: chr8-144512884-T-C. GRCh37 (hg19) VCF-style: chr8-145738267-T-C.
Other names: c.2424A>G, p.Ile808Met (NM_001413017.1); c.2520A>G, p.Ile840Met (NM_001413018.1); c.2718A>G, p.Ile906Met (NM_001413019.1, NM_001413036.1); c.2622A>G, p.Ile874Met (NM_001413020.1); c.1647A>G, p.Ile549Met (NM_001413021.1, NM_001413022.1, NM_001413023.1 and 5 more transcripts); c.2589A>G, p.Ile863Met (NM_001413025.1); c.1581A>G, p.Ile527Met (NM_001413027.1, NM_001413030.1, NM_001413032.1 and 1 more transcripts); c.2367A>G, p.Ile789Met (NM_001413029.1); and 6 more; short protein forms I417M, I505M, I862M, I896M, I549M, I840M, I863M, I874M.
Identifiers: ClinVar variation 2718465 (VCV002718465.3), dbSNP rs1010167633, ClinGen allele CA372675010.